The following is an entry in ClinVar:

NM_006231.4(POLE):c.2139G>C (p.Glu713Asp)

Gene: POLE (DNA polymerase epsilon, catalytic subunit; minus strand). Cytogenetic location: 12q24.33.
Variant type: single nucleotide variant.
Coding change: c.2139G>C on transcript NM_006231.4 (MANE Select); coding-DNA position 2139, G replaced by C.
Protein change: p.Glu713Asp; replaces glutamic acid 713 with aspartic acid.
Molecular consequence: missense variant.
Genome position (GRCh38, 1-based): chr12:132,668,390, C>G on the plus strand (G>C on the coding strand, the complement: POLE is on the minus strand). VCF-style: chr12-132668390-C-G. GRCh37 (hg19) VCF-style: chr12-133244976-C-G.
Other names: c.2139G>C (NM_006231.2); short protein forms E713D.
Identifiers: ClinVar variation 2844725 (VCV002844725.4), dbSNP rs2135974865, ClinGen allele CA387353731.

ClinVar aggregate classification (germline): Uncertain significance. Review status: criteria provided, multiple submitters, no conflicts (2 of 4 stars). 2 submissions from 2 submitters: Uncertain significance (2). Last evaluated 2026-07-29.

Conditions:
Hereditary cancer-predisposing syndrome. Also called: Hereditary Cancer Syndrome; Hereditary neoplastic syndrome; Neoplastic Syndromes, Hereditary; Tumor predisposition. Identifiers: Orphanet 140162, MedGen C0027672, MeSH D009386, MONDO:0015356.

Submissions (2):

Ambry Genetics
Classification: Uncertain significance for Hereditary cancer-predisposing syndrome. Last evaluated: 2026-07-29. Review status: criteria provided, single submitter. Criteria: Ambry Variant Classification Scheme 2023. Collection method: clinical testing. Allele origin: germline.
Comment: The p.E713D variant (also known as c.2139G>C), located in coding exon 19 of the POLE gene, results from a G to C substitution at nucleotide position 2139. The glutamic acid at codon 713 is replaced by aspartic acid, an amino acid with highly similar properties. This amino acid position is conserved. In addition, this alteration is predicted to be tolerated by in silico analysis. Based on the available evidence, the clinical significance of this variant remains unclear.

Labcorp Genetics (formerly Invitae), Labcorp
Classification: Uncertain significance. Last evaluated: 2023-03-10. Review status: criteria provided, single submitter. Criteria: Invitae Variant Classification Sherloc (09022015). Collection method: clinical testing. Allele origin: germline.
Comment: This variant has not been reported in the literature in individuals affected with POLE-related conditions. This sequence change replaces glutamic acid, which is acidic and polar, with aspartic acid, which is acidic and polar, at codon 713 of the POLE protein (p.Glu713Asp). This variant is not present in population databases (gnomAD no frequency). Advanced modeling of protein sequence and biophysical properties (such as structural, functional, and spatial information, amino acid conservation, physicochemical variation, residue mobility, and thermodynamic stability) performed at Invitae indicates that this missense variant is not expected to disrupt POLE protein function. In summary, the available evidence is currently insufficient to determine the role of this variant in disease. Therefore, it has been classified as a Variant of Uncertain Significance.